The following is an entry in ClinVar:

NM_018036.7(ATG2B):c.3362-4C>G

Gene: ATG2B (autophagy related 2B; minus strand). Cytogenetic location: 14q32.2.
Variant type: single nucleotide variant.
Coding change: c.3362-4C>G on transcript NM_018036.7 (MANE Select); 4 bases into the intron before coding-DNA position 3362, C replaced by G.
Molecular consequence: intron variant.
Genome position (GRCh38, 1-based): chr14:96,315,587, G>C on the plus strand (C>G on the coding strand, the complement: ATG2B is on the minus strand). VCF-style: chr14-96315587-G-C. GRCh37 (hg19) VCF-style: chr14-96781924-G-C.
Identifiers: ClinVar variation 776858 (VCV000776858.7), dbSNP rs73363250, ClinGen allele CA7336259.

ClinVar aggregate classification (germline): Benign. Review status: criteria provided, multiple submitters, no conflicts (2 of 4 stars). 3 submissions from 3 submitters: Benign (2). 1 of the submissions does not count toward it. Last evaluated 2018-07-09.

Conditions:
ATG2B-related disorder. Also called: ATG2B-related condition.

Allele frequency attached by ClinVar (database versions not stated): gnomAD exomes 0.00184 and 0.00523; ExAC 0.00659; gnomAD 0.02152 and 0.02310; ESP Exome Variant Server 0.02186; 1000 Genomes Project 0.02396; TOPMed 0.02419; 1000 Genomes Project 30x 0.02545.
gnomAD v4.1: 6,092 of 1,610,182 alleles (0.38%); highest among the groups gnomAD compares: African/African-American, 7.1%; 214 homozygotes.

Submissions (3):

GeneDx
Classification: Benign. Last evaluated: 2018-07-09. Review status: criteria provided, single submitter. Criteria: GeneDx Variant Classification Process June 2021. Collection method: clinical testing. Allele origin: germline. Affected: yes.

Labcorp Genetics (formerly Invitae), Labcorp
Classification: Benign. Last evaluated: 2018-02-26. Review status: criteria provided, single submitter. Criteria: Invitae Variant Classification Sherloc (09022015). Collection method: clinical testing. Allele origin: germline.

PreventionGenetics, part of Exact Sciences
Classification: Benign for ATG2B-related condition. Last evaluated: 2019-12-05. Review status: no assertion criteria provided. Collection method: clinical testing. Allele origin: germline. Not counted in ClinVar's aggregate classification.
Comment: This variant is classified as benign based on ACMG/AMP sequence variant interpretation guidelines (Richards et al. 2015 PMID: 25741868, with internal and published modifications).